The following is an entry in ClinVar:

NM_001042492.3(NF1):c.8425A>G (p.Asn2809Asp)

Gene: NF1 (neurofibromin 1; plus strand). Cytogenetic location: 17q11.2.
Variant type: single nucleotide variant.
Coding change: c.8425A>G on transcript NM_001042492.3 (MANE Select); coding-DNA position 8425, A replaced by G.
Protein change: p.Asn2809Asp; replaces asparagine 2809 with aspartic acid.
Molecular consequence: missense variant.
Genome position (GRCh38, 1-based): chr17:31,374,060, A>G. VCF-style: chr17-31374060-A-G. GRCh37 (hg19) VCF-style: chr17-29701078-A-G.
Other names: c.8362A>G, p.Asn2788Asp (NM_000267.4); short protein forms N2788D, N2809D.
Identifiers: ClinVar variation 5025669 (VCV005025669.1).

ClinVar aggregate classification (germline): Uncertain significance (1 of 4 stars; one submission).

Conditions:
Cardiovascular phenotype. Identifiers: MedGen CN230736.
Hereditary cancer-predisposing syndrome. Also called: Neoplastic Syndromes, Hereditary; Tumor predisposition; Hereditary neoplastic syndrome; Hereditary Cancer Syndrome. Identifiers: Orphanet 140162, MedGen C0027672, MeSH D009386, MONDO:0015356.

Submission:

Ambry Genetics
Classification: Uncertain significance for Cardiovascular phenotype; Hereditary cancer-predisposing syndrome. Last evaluated: 2026-09-14. Review status: criteria provided, single submitter. Criteria: Ambry Variant Classification Scheme 2023. Collection method: clinical testing. Allele origin: germline.
Comment: The p.N2788D variant (also known as c.8362A>G), located in coding exon 57 of the NF1 gene, results from an A to G substitution at nucleotide position 8362. The asparagine at codon 2788 is replaced by aspartic acid, an amino acid with highly similar properties. This amino acid position is conserved. In addition, this alteration is predicted to be tolerated by in silico analysis. Based on the available evidence, the clinical significance of this variant remains unclear.